The following is an entry in ClinVar:

ClinVar aggregate classification (germline): Pathogenic. Review status: criteria provided, multiple submitters, no conflicts (2 of 4 stars). 2 submissions from 2 submitters: Pathogenic (2). Last evaluated 2025-06-14.

Conditions:
Mucopolysaccharidosis, MPS-III-D (MPS3D). Also called: N-ACETYLGLUCOSAMINE-6-SULFATASE DEFICIENCY; SANFILIPPO SYNDROME D; MPS III D; Mucopoly-saccharidosis type 3D; N-acetylglucosamine-6-sulfate sulfatase deficiency; MPS 3D. Identifiers: Orphanet 581, Orphanet 79272, MedGen C0086650, MONDO:0009658, OMIM 252940.

Allele frequency attached by ClinVar (database versions not stated): gnomAD exomes below 0.00001.

Submissions (2):

Labcorp Genetics (formerly Invitae), Labcorp
Classification: Pathogenic for Mucopolysaccharidosis, MPS-III-D. Last evaluated: 2025-06-14. Review status: criteria provided, single submitter. Criteria: Invitae Variant Classification Sherloc (09022015). Collection method: clinical testing. Allele origin: germline.
Comment: This sequence change creates a premature translational stop signal (p.Asp411Glyfs*12) in the GNS gene. It is expected to result in an absent or disrupted protein product. Loss-of-function variants in GNS are known to be pathogenic (PMID: 20232353). This variant is not present in population databases (gnomAD no frequency). This premature translational stop signal has been observed in individual(s) with mucopolysaccharidosis type III (PMID: 20232353). ClinVar contains an entry for this variant (Variation ID: 2735908). For these reasons, this variant has been classified as Pathogenic.

Women's Health and Genetics/Laboratory Corporation of America, LabCorp
Classification: Pathogenic for Mucopolysaccharidosis, MPS-III-D. Last evaluated: 2024-11-21. Review status: criteria provided, single submitter. Criteria: LabCorp Variant Classification Summary - May 2015. Collection method: clinical testing. Allele origin: germline.
Comment: Variant summary: GNS c.1231dupG (p.Asp411GlyfsX12) results in a premature termination codon, predicted to cause a truncation of the encoded protein or absence of the protein due to nonsense mediated decay, which are commonly known mechanisms for disease. The variant was absent in 251308 control chromosomes. c.1231dupG has been reported in the literature in individuals affected with Mucopolysaccharidosis Type IIID (Sanfilippo Syndrome D) (example: Valstar_2010). These data indicate that the variant may be associated with disease. The following publication have been ascertained in the context of this evaluation (PMID: 20232353). ClinVar contains an entry for this variant (Variation ID: 2735908). Based on the evidence outlined above, the variant was classified as pathogenic.

Literature cited by the submitters: PubMed 20232353 (cited by Labcorp Genetics (formerly Invitae), Labcorp and Women's Health and Genetics/Laboratory Corporation of America, LabCorp).

NM_002076.4(GNS):c.1231dup (p.Asp411fs)

Gene: GNS (glucosamine (N-acetyl)-6-sulfatase; minus strand). Cytogenetic location: 12q14.3.
Variant type: Duplication.
Coding change: c.1231dup on transcript NM_002076.4 (MANE Select); coding-DNA position 1231, one base duplicated (G; older notation c.1231dupG).
Protein change: p.Asp411fs; shifts the reading frame from aspartic acid 411.
Molecular consequence: frameshift variant.
Genome position (GRCh38, 1-based): chr12:64,723,083, C duplicated on the plus strand (G on the coding strand, the reverse complement: GNS is on the minus strand). VCF-style (leftmost placement, unchanged base first): chr12-64723082-T-TC. GRCh37 (hg19) VCF-style: chr12-65116862-T-TC.
Other names: c.1231dupG (NM_002076.4); short protein forms D411fs.
Identifiers: ClinVar variation 2735908 (VCV002735908.4), dbSNP rs2539505244, ClinGen allele CA2619652214.